The following is an entry in ClinVar:

ClinVar aggregate classification (germline): Pathogenic (1 of 4 stars; one submission).

Conditions:
Hyper-IgM syndrome type 1. Also called: CD40 Ligand Deficiency; X-linked hyper-IgM syndrome; Immunodeficiency, X-linked, with hyper-IgM; Hyper-IgM Immunodeficiency Syndrome, Type 1. Identifiers: Orphanet 101088, MedGen C0398689, MONDO:0010626, OMIM 308230.

Submission:

Labcorp Genetics (formerly Invitae), Labcorp
Classification: Pathogenic for Hyper-IgM syndrome type 1. Last evaluated: 2022-03-13. Review status: criteria provided, single submitter. Criteria: Invitae Variant Classification Sherloc (09022015). Collection method: clinical testing. Allele origin: germline.
Comment: This sequence change creates a premature translational stop signal (p.Tyr146*) in the CD40LG gene. While this is not anticipated to result in nonsense mediated decay, it is expected to disrupt the last 116 amino acid(s) of the CD40LG protein. This variant is not present in population databases (gnomAD no frequency). This variant has not been reported in the literature in individuals affected with CD40LG-related conditions. For these reasons, this variant has been classified as Pathogenic. This variant disrupts a region of the CD40LG protein in which other variant(s) (p.Gln232*) have been determined to be pathogenic (PMID: 8550833, 11158612, 18805740). This suggests that this is a clinically significant region of the protein, and that variants that disrupt it are likely to be disease-causing.

Literature cited by the submitters: PubMed 8550833; PubMed 11158612; PubMed 18805740.

NM_000074.3(CD40LG):c.438C>G (p.Tyr146Ter)

Gene: CD40LG (CD40 ligand; plus strand). Cytogenetic location: Xq26.3.
Variant type: single nucleotide variant.
Coding change: c.438C>G on transcript NM_000074.3 (MANE Select); coding-DNA position 438, C replaced by G.
Protein change: p.Tyr146Ter; replaces tyrosine 146 with a stop codon.
Molecular consequence: nonsense.
Genome position (GRCh38, 1-based): chrX:136,659,067, C>G. VCF-style: chrX-136659067-C-G. GRCh37 (hg19) VCF-style: chrX-135741226-C-G.
Other names: short protein forms Y146*.
Identifiers: ClinVar variation 2111246 (VCV002111246.4), dbSNP rs2522117745, ClinGen allele CA414755615.
Genomic context (GRCh38, chrX:136,659,067, plus strand): 5'-CTCACCACAAACTTTCCCTTTCTTTGTAACAGTGTTACAGTGGGCTGAAAAAGGATACTA[C>G]ACCATGAGCAACAACTTGGTAACCCTGGAAAATGGGAAACAGCTGACCGTTAAAAGACAA-3'